The following is an entry in ClinVar:

NM_003922.4(HERC1):c.6673C>T (p.Arg2225Ter)

Gene: HERC1 (HECT and RLD domain containing E3 ubiquitin protein ligase family member 1; minus strand). Cytogenetic location: 15q22.31.
Variant type: single nucleotide variant.
Coding change: c.6673C>T on transcript NM_003922.4 (MANE Select); coding-DNA position 6673, C replaced by T.
Protein change: p.Arg2225Ter; replaces arginine 2225 with a stop codon.
Molecular consequence: nonsense.
Genome position (GRCh38, 1-based): chr15:63,678,242, G>A on the plus strand (C>T on the coding strand, the complement: HERC1 is on the minus strand). VCF-style: chr15-63678242-G-A. GRCh37 (hg19) VCF-style: chr15-63970441-G-A.
Other names: short protein forms R2225*.
Identifiers: ClinVar variation 430242 (VCV000430242.2), dbSNP rs1131691853, ClinGen allele CA392739443.

ClinVar aggregate classification (germline): Likely pathogenic (1 of 4 stars; one submission).

Allele frequency attached by ClinVar (database versions not stated): gnomAD exomes below 0.00001; TOPMed below 0.00001.
gnomAD v4.1: 1 of 1,613,620 alleles (0.000062%); highest among the groups gnomAD compares: South Asian, 0.0011%; no homozygotes.

Submission:

GeneDx
Classification: Likely pathogenic. Last evaluated: 2017-05-23. Review status: criteria provided, single submitter. Criteria: GeneDx Variant Classification (06012015). Collection method: clinical testing. Allele origin: germline. Affected: yes.
Comment: The R2225X variant in the HERC1 gene has not been reported previously as a pathogenic variant nor as a benign variant, to our knowledge. This variant is predicted to cause loss of normal protein function either through protein truncation or nonsense-mediated mRNA decay. The R2225X variant is not observed in large population cohorts (Lek et al., 2016; 1000 Genomes Consortium et al., 2015; Exome Variant Server). We interpret R2225X as a likely pathogenic variant.